The following is an entry in ClinVar:

NM_001792.5(CDH2):c.616C>T (p.Pro206Ser)

Gene: CDH2 (cadherin 2; minus strand). Cytogenetic location: 18q12.1.
Variant type: single nucleotide variant.
Coding change: c.616C>T on transcript NM_001792.5 (MANE Select); coding-DNA position 616, C replaced by T.
Protein change: p.Pro206Ser; replaces proline 206 with serine.
Molecular consequence: missense variant.
Genome position (GRCh38, 1-based): chr18:28,009,803, G>A on the plus strand (C>T on the coding strand, the complement: CDH2 is on the minus strand). VCF-style: chr18-28009803-G-A. GRCh37 (hg19) VCF-style: chr18-25589767-G-A.
Other names: c.523C>T, p.Pro175Ser (NM_001308176.2); short protein forms P175S, P206S.
Identifiers: ClinVar variation 2446477 (VCV002446477.1), dbSNP rs2510814492, ClinGen allele CA402243568.

ClinVar aggregate classification (germline): Uncertain significance (1 of 4 stars; one submission).

Allele frequency attached by ClinVar (database versions not stated): gnomAD exomes below 0.00001.
gnomAD v4.1: 1 of 1,613,874 alleles (0.000062%); highest among the groups gnomAD compares: Non-Finnish European, 0.000085%; no homozygotes.

Submission:

GeneDx
Classification: Uncertain significance. Last evaluated: 2022-09-29. Review status: criteria provided, single submitter. Criteria: GeneDx Variant Classification Process June 2021. Collection method: clinical testing. Allele origin: germline. Affected: yes.
Comment: Not observed at significant frequency in large population cohorts (gnomAD); In silico analysis supports that this missense variant has a deleterious effect on protein structure/function; Has not been previously published as pathogenic or benign to our knowledge